The following is an entry in ClinVar:

NM_138409.4(MRAP2):c.27C>T (p.Asn9=)

Gene: MRAP2 (melanocortin 2 receptor accessory protein 2; plus strand). Cytogenetic location: 6q14.2.
Variant type: single nucleotide variant.
Coding change: c.27C>T on transcript NM_138409.4 (MANE Select); coding-DNA position 27, C replaced by T.
Protein change: p.Asn9=; no amino-acid change (asparagine 9 retained).
Molecular consequence: synonymous variant. On other transcripts: 5 prime UTR variant (2).
Genome position (GRCh38, 1-based): chr6:84,055,345, C>T. VCF-style: chr6-84055345-C-T. GRCh37 (hg19) VCF-style: chr6-84765064-C-T.
Other names: c.-132C>T (NM_001346541.2); c.27C>T, p.Asn9= (NM_001346542.2, NM_001346544.2); c.-233C>T (NM_001346543.2).
Identifiers: ClinVar variation 3348476 (VCV003348476.1).

ClinVar aggregate classification (germline): Likely benign (0 of 4 stars; one submission).

Conditions:
MRAP2-related disorder. Also called: MRAP2-related condition.

gnomAD v4.1: 3 of 1,613,538 alleles (0.00019%); highest among the groups gnomAD compares: African/African-American, 0.004%; no homozygotes.

Submission:

PreventionGenetics, part of Exact Sciences
Classification: Likely benign for MRAP2-related condition. Last evaluated: 2024-09-04. Review status: no assertion criteria provided. Collection method: clinical testing. Allele origin: germline.
Comment: This variant is classified as likely benign based on ACMG/AMP sequence variant interpretation guidelines (Richards et al. 2015 PMID: 25741868, with internal and published modifications).